The following is an entry in ClinVar:

NM_020822.3(KCNT1):c.3011C>G (p.Ser1004Trp)

Gene: KCNT1 (potassium sodium-activated channel subfamily T member 1; plus strand). Cytogenetic location: 9q34.3.
Variant type: single nucleotide variant.
Coding change: c.3011C>G on transcript NM_020822.3 (MANE Select); coding-DNA position 3011, C replaced by G.
Protein change: p.Ser1004Trp; replaces serine 1004 with tryptophan.
Molecular consequence: missense variant.
Genome position (GRCh38, 1-based): chr9:135,784,602, C>G. VCF-style: chr9-135784602-C-G. GRCh37 (hg19) VCF-style: chr9-138676448-C-G.
Other names: c.2876C>G, p.Ser959Trp (NM_001272003.2); short protein forms S959W, S1004W.
Identifiers: ClinVar variation 2091756 (VCV002091756.4), dbSNP rs1564390954, ClinGen allele CA375517979.

ClinVar aggregate classification (germline): Uncertain significance (1 of 4 stars; one submission).

Conditions:
Autosomal dominant nocturnal frontal lobe epilepsy 5. Also called: CILIARY DYSKINESIA, PRIMARY, 28, WITHOUT SITUS INVERSUS; CILIARY DYSKINESIA, PRIMARY, 28, WITH SITUS INVERSUS; Epilepsy, nocturnal frontal lobe, 5; KCNT1-Related Epilepsy. Identifiers: Orphanet 98784, MedGen C3554306, MONDO:0014002, OMIM 615005.
Developmental and epileptic encephalopathy, 14 (DEE14). Also called: Early infantile epileptic encephalopathy 14. Identifiers: Orphanet 293181, MedGen C3554195, MONDO:0013989, OMIM 614959.

Submission:

Labcorp Genetics (formerly Invitae), Labcorp
Classification: Uncertain significance for Autosomal dominant nocturnal frontal lobe epilepsy 5; Developmental and epileptic encephalopathy, 14. Last evaluated: 2022-02-02. Review status: criteria provided, single submitter. Criteria: Invitae Variant Classification Sherloc (09022015). Collection method: clinical testing. Allele origin: germline.
Comment: In summary, the available evidence is currently insufficient to determine the role of this variant in disease. Therefore, it has been classified as a Variant of Uncertain Significance. Advanced modeling of protein sequence and biophysical properties (such as structural, functional, and spatial information, amino acid conservation, physicochemical variation, residue mobility, and thermodynamic stability) performed at Invitae indicates that this missense variant is expected to disrupt KCNT1 protein function. This variant has not been reported in the literature in individuals affected with KCNT1-related conditions. This variant is not present in population databases (gnomAD no frequency). This sequence change replaces serine, which is neutral and polar, with tryptophan, which is neutral and slightly polar, at codon 1004 of the KCNT1 protein (p.Ser1004Trp).